The following is an entry in ClinVar:

ClinVar aggregate classification (germline): Uncertain significance. Review status: criteria provided, single submitter (1 of 4 stars). 2 submissions from 2 submitters: Uncertain significance (1). 1 of the submissions does not count toward it. Last evaluated 2024-06-10.

Conditions:
NCOA1-related disorder. Also called: NCOA1-related condition.

Allele frequency attached by ClinVar (database versions not stated): gnomAD 0.00001; TOPMed 0.00001; gnomAD exomes 0.00002.
gnomAD v4.1: 37 of 1,614,082 alleles (0.0023%); highest among the groups gnomAD compares: Non-Finnish European, 0.003%; no homozygotes.

Submissions (2):

Ambry Genetics
Classification: Uncertain significance. Last evaluated: 2024-06-10. Review status: criteria provided, single submitter. Criteria: Ambry Variant Classification Scheme 2023. Collection method: clinical testing. Allele origin: germline.

PreventionGenetics, part of Exact Sciences
Classification: Uncertain significance for NCOA1-related condition. Last evaluated: 2024-08-05. Review status: no assertion criteria provided. Collection method: clinical testing. Allele origin: germline. Not counted in ClinVar's aggregate classification.
Comment: The NCOA1 c.2323G>C variant is predicted to result in the amino acid substitution p.Val775Leu. To our knowledge, this variant has not been reported in the literature. This variant is reported in 0.00088% of alleles in individuals of European (Non-Finnish) descent in gnomAD. At this time, the clinical significance of this variant is uncertain due to the absence of conclusive functional and genetic evidence.

NM_003743.5(NCOA1):c.2323G>C (p.Val775Leu)

Gene: NCOA1 (nuclear receptor coactivator 1; plus strand). Cytogenetic location: 2p23.3.
Variant type: single nucleotide variant.
Coding change: c.2323G>C on transcript NM_003743.5 (MANE Select); coding-DNA position 2323, G replaced by C.
Protein change: p.Val775Leu; replaces valine 775 with leucine.
Molecular consequence: missense variant.
Genome position (GRCh38, 1-based): chr2:24,707,793, G>C. VCF-style: chr2-24707793-G-C. GRCh37 (hg19) VCF-style: chr2-24930662-G-C.
Other names: c.2323G>C, p.Val775Leu (NM_001362950.1, NM_001362952.1, NM_001362954.1 and 3 more transcripts); short protein forms V775L.
Identifiers: ClinVar variation 2631975 (VCV002631975.3), dbSNP rs946307040, ClinGen allele CA43631013.